The following is an entry in ClinVar:

ClinVar aggregate classification (germline): Pathogenic. Review status: criteria provided, multiple submitters, no conflicts (2 of 4 stars). 3 submissions from 3 submitters: Pathogenic (3). Last evaluated 2022-10-31.

Conditions:
Tuberous sclerosis 2 (TSC2). Identifiers: Orphanet 805, MedGen C1860707, MONDO:0013199, OMIM 613254.

Submissions (3):

Labcorp Genetics (formerly Invitae), Labcorp
Classification: Pathogenic for Tuberous sclerosis 2. Last evaluated: 2022-10-31. Review status: criteria provided, single submitter. Criteria: Invitae Variant Classification Sherloc (09022015). Collection method: clinical testing. Allele origin: germline.
Comment: This sequence change creates a premature translational stop signal (p.Tyr643*) in the TSC2 gene. It is expected to result in an absent or disrupted protein product. Loss-of-function variants in TSC2 are known to be pathogenic (PMID: 10205261, 17304050). This variant is not present in population databases (gnomAD no frequency). This premature translational stop signal has been observed in individual(s) with clinical features of TSC2-related conditions (PMID: 21520333). ClinVar contains an entry for this variant (Variation ID: 280365). Algorithms developed to predict the effect of sequence changes on RNA splicing suggest that this variant may create or strengthen a splice site. For these reasons, this variant has been classified as Pathogenic.

Genome-Nilou Lab
Classification: Pathogenic for Tuberous sclerosis 2. Last evaluated: 2021-11-07. Review status: criteria provided, single submitter. Criteria: ACMG Guidelines, 2015. Collection method: clinical testing. Allele origin: germline. Affected: no.

GeneDx
Classification: Pathogenic. Last evaluated: 2016-03-10. Review status: criteria provided, single submitter. Criteria: GeneDx Variant Classification (06012015). Collection method: clinical testing. Allele origin: germline. Affected: yes.
Comment: The Y643X nonsense variant in the TSC2 gene is predicted to cause loss of normal protein function either through protein truncation or nonsense-mediated mRNA decay. It was not observed in approximately 6,500 individuals of European and African American ancestry in the NHLBI Exome Sequencing Project, indicating it is not a common benign variant in these populations. Although this variant has not been reported previously to our knowledge, we consider it to be pathogenic.

Literature cited by the submitters: PubMed 10205261 (cited by Labcorp Genetics (formerly Invitae), Labcorp); PubMed 17304050 (cited by Labcorp Genetics (formerly Invitae), Labcorp); PubMed 21520333 (cited by Labcorp Genetics (formerly Invitae), Labcorp).

NM_000548.5(TSC2):c.1929C>G (p.Tyr643Ter)

Gene: TSC2 (TSC complex subunit 2; plus strand). Cytogenetic location: 16p13.3.
Variant type: single nucleotide variant.
Coding change: c.1929C>G on transcript NM_000548.5 (MANE Select); coding-DNA position 1929, C replaced by G.
Protein change: p.Tyr643Ter; replaces tyrosine 643 with a stop codon.
Molecular consequence: nonsense.
Genome position (GRCh38, 1-based): chr16:2,071,599, C>G. VCF-style: chr16-2071599-C-G. GRCh37 (hg19) VCF-style: chr16-2121600-C-G.
Other names: c.1929C>G, p.Tyr643Ter (NM_001077183.3, NM_001114382.3, NM_001363528.2 and 3 more transcripts); c.1818C>G, p.Tyr606Ter (NM_001318827.2); c.1782C>G, p.Tyr594Ter (NM_001318829.2); c.1329C>G, p.Tyr443Ter (NM_001318831.2); c.1962C>G, p.Tyr654Ter (NM_001318832.2); short protein forms Y643*, Y606*, Y443*, Y594*, Y654*.
Identifiers: ClinVar variation 280365 (VCV000280365.8), dbSNP rs368710573, ClinGen allele CA10603513.
Genomic context (GRCh38, chr16:2,071,599, plus strand): 5'-CGACTCACTGCACCGCCTGGGCCTGCCCAACAAGGATGGAGTCGTGCGGTTCAGCCCCTA[C>G]TGCGTCTGCGACTACATGTACGCGGGACCTCGCCCACGGCCCATGAGGCTCAGGGCGTCA-3'